The following is an entry in ClinVar:

NM_005359.6(SMAD4):c.788-14G>A

Gene: SMAD4 (SMAD family member 4; plus strand). Cytogenetic location: 18q21.2.
Variant type: single nucleotide variant.
Coding change: c.788-14G>A on transcript NM_005359.6 (MANE Select); 14 bases into the intron before coding-DNA position 788, G replaced by A.
Molecular consequence: intron variant.
Genome position (GRCh38, 1-based): chr18:51,058,326, G>A. VCF-style: chr18-51058326-G-A. GRCh37 (hg19) VCF-style: chr18-48584696-G-A.
Identifiers: ClinVar variation 630394 (VCV000630394.13), dbSNP rs769943457, ClinGen allele CA8965905.
Genomic context (GRCh38, chr18:51,058,326, plus strand): 5'-TCTTTTAAATAGTTGAGAAAAAAGTAGGCAGCCTTTATAAAAGCAAATTAACCCATGTGG[G>A]CCTTAATTTTTAGACAGCACTACCACCTGGACTGGAAGTAGGACTGCACCATACACACCT-3'

ClinVar aggregate classification (germline): Likely benign. Review status: criteria provided, multiple submitters, no conflicts (2 of 4 stars). 3 submissions from 3 submitters: Likely benign (3). Last evaluated 2025-10-13.

Conditions:
Juvenile polyposis syndrome (JPS). Identifiers: Orphanet 2929, MedGen C0345893, MONDO:0017380, OMIM 174900.
Hereditary cancer-predisposing syndrome. Also called: Hereditary neoplastic syndrome; Neoplastic Syndromes, Hereditary; Tumor predisposition; Hereditary Cancer Syndrome. Identifiers: Orphanet 140162, MedGen C0027672, MeSH D009386, MONDO:0015356.
Juvenile polyposis/hereditary hemorrhagic telangiectasia syndrome (JPHT). Also called: Juvenile Polyposis Syndrome / Hereditary Hemorrhagic Telangiectasia (JPS/HHT); JP/HHT SYNDROME; JUVENILE POLYPOSIS WITH HEREDITARY HEMORRHAGIC TELANGIECTASIA; POLYPOSIS, GENERALIZED JUVENILE, WITH PULMONARY ARTERIOVENOUS MALFORMATION; TELANGIECTASIA, HEREDITARY HEMORRHAGIC, WITH JUVENILE POLYPOSIS COLI. Identifiers: Orphanet 2929, MedGen C1832942, MONDO:0008278, OMIM 175050.

Allele frequency attached by ClinVar (database versions not stated): gnomAD exomes below 0.00001; ExAC 0.00001.
gnomAD v4.1: 2 of 1,610,544 alleles (0.00012%); highest among the groups gnomAD compares: Non-Finnish European, 0.00017%; no homozygotes.

Submissions (3):

Color Diagnostics, LLC DBA Color Health
Classification: Likely benign for Hereditary cancer-predisposing syndrome. Last evaluated: 2025-10-13. Review status: criteria provided, single submitter. Criteria: ACMG Guidelines, 2015. Collection method: clinical testing. Allele origin: germline.

Labcorp Genetics (formerly Invitae), Labcorp
Classification: Likely benign for Juvenile polyposis syndrome. Last evaluated: 2025-06-10. Review status: criteria provided, single submitter. Criteria: Invitae Variant Classification Sherloc (09022015). Collection method: clinical testing. Allele origin: germline.

Myriad Genetics, Inc.
Classification: Likely benign for Juvenile polyposis/hereditary hemorrhagic telangiectasia syndrome. Last evaluated: 2025-03-20. Review status: criteria provided, single submitter. Criteria: Myriad Autosomal Dominant, Autosomal Recessive and X-Linked Classification Criteria (2023). Collection method: clinical testing. Allele origin: unknown.
Comment: This variant is considered likely benign. This variant is intronic and is not expected to impact mRNA splicing.